The following is an entry in ClinVar:

NM_020937.4(FANCM):c.3668G>A (p.Cys1223Tyr)

Gene: FANCM (FA complementation group M; plus strand). Cytogenetic location: 14q21.2.
Variant type: single nucleotide variant.
Coding change: c.3668G>A on transcript NM_020937.4 (MANE Select); coding-DNA position 3668, G replaced by A.
Protein change: p.Cys1223Tyr; replaces cysteine 1223 with tyrosine.
Molecular consequence: missense variant.
Genome position (GRCh38, 1-based): chr14:45,176,422, G>A. VCF-style: chr14-45176422-G-A. GRCh37 (hg19) VCF-style: chr14-45645625-G-A.
Other names: c.3590G>A, p.Cys1197Tyr (NM_001308133.2); short protein forms C1197Y, C1223Y.
Identifiers: ClinVar variation 4254522 (VCV004254522.1).
Genomic context (GRCh38, chr14:45,176,422, plus strand): 5'-CTCGTGATCAGAGAGGTGTACAGGAAGAAAAAGTGAAGAATCATGAGGATATTTTTGATT[G>A]CTCTAGGGATTTATTTTCTGTTACCTTTGATTTAGGATTCTGTAGTCCAGATTCTGATGA-3'
Protein context (NP_065988.1, residues 1213-1233): KVKNHEDIFD[Cys1223Tyr]SRDLFSVTFD

ClinVar aggregate classification (germline): Uncertain significance (1 of 4 stars; one submission).

Conditions:
Inborn genetic diseases. Identifiers: MedGen C0950123, MeSH D030342.

gnomAD v4.1: 2 of 1,612,938 alleles (0.00012%); highest among the groups gnomAD compares: Non-Finnish European, 0.00017%; no homozygotes.

Submission:

Ambry Genetics
Classification: Uncertain significance for Inborn genetic diseases. Last evaluated: 2025-06-16. Review status: criteria provided, single submitter. Criteria: Ambry Variant Classification Scheme 2023. Collection method: clinical testing. Allele origin: germline.
Comment: The p.C1223Y variant (also known as c.3668G>A), located in coding exon 14 of the FANCM gene, results from a G to A substitution at nucleotide position 3668. The cysteine at codon 1223 is replaced by tyrosine, an amino acid with highly dissimilar properties. This amino acid position is conserved. In addition, this alteration is predicted to be tolerated by in silico analysis. Based on the available evidence, the clinical significance of this variant remains unclear.